The following is an entry in ClinVar:

NM_001852.4(COL9A2):c.922A>C (p.Lys308Gln)

Gene: COL9A2 (collagen type IX alpha 2 chain; minus strand). Cytogenetic location: 1p34.2.
Variant type: single nucleotide variant.
Coding change: c.922A>C on transcript NM_001852.4 (MANE Select); coding-DNA position 922, A replaced by C.
Protein change: p.Lys308Gln; replaces lysine 308 with glutamine.
Molecular consequence: missense variant.
Genome position (GRCh38, 1-based): chr1:40,307,735, T>G on the plus strand (A>C on the coding strand, the complement: COL9A2 is on the minus strand). VCF-style: chr1-40307735-T-G. GRCh37 (hg19) VCF-style: chr1-40773407-T-G.
Other names: short protein forms K308Q.
Identifiers: ClinVar variation 3717993 (VCV003717993.2).

ClinVar aggregate classification (germline): Uncertain significance (1 of 4 stars; one submission).

gnomAD v4.1: 2 of 1,614,080 alleles (0.00012%); highest among the groups gnomAD compares: East Asian, 0.0022%; no homozygotes.

Submission:

Labcorp Genetics (formerly Invitae), Labcorp
Classification: Uncertain significance. Last evaluated: 2024-10-16. Review status: criteria provided, single submitter. Criteria: Invitae Variant Classification Sherloc (09022015). Collection method: clinical testing. Allele origin: germline.
Comment: This sequence change replaces lysine, which is basic and polar, with glutamine, which is neutral and polar, at codon 308 of the COL9A2 protein (p.Lys308Gln). This variant is not present in population databases (gnomAD no frequency). This variant has not been reported in the literature in individuals affected with COL9A2-related conditions. Invitae Evidence Modeling of protein sequence and biophysical properties (such as structural, functional, and spatial information, amino acid conservation, physicochemical variation, residue mobility, and thermodynamic stability) indicates that this missense variant is not expected to disrupt COL9A2 protein function with a negative predictive value of 95%. In summary, the available evidence is currently insufficient to determine the role of this variant in disease. Therefore, it has been classified as a Variant of Uncertain Significance.